The following is an entry in ClinVar:

ClinVar aggregate classification (germline): Uncertain significance (1 of 4 stars; one submission).

Conditions:
Hereditary cancer-predisposing syndrome. Also called: Neoplastic Syndromes, Hereditary; Tumor predisposition; Hereditary Cancer Syndrome; Hereditary neoplastic syndrome. Identifiers: Orphanet 140162, MedGen C0027672, MeSH D009386, MONDO:0015356.

Submission:

Ambry Genetics
Classification: Uncertain significance for Hereditary cancer-predisposing syndrome. Last evaluated: 2025-10-01. Review status: criteria provided, single submitter. Criteria: Ambry Variant Classification Scheme 2023. Collection method: clinical testing. Allele origin: germline.
Comment: The p.M29I variant (also known as c.87G>A), located in coding exon 2 of the BMPR1A gene, results from a G to A substitution at nucleotide position 87. The methionine at codon 29 is replaced by isoleucine, an amino acid with highly similar properties. This amino acid position is not well conserved in available vertebrate species. In addition, this alteration is predicted to be tolerated by in silico analysis. Based on the available evidence, the clinical significance of this variant remains unclear.

NM_004329.3(BMPR1A):c.87G>A (p.Met29Ile)

Gene: BMPR1A (bone morphogenetic protein receptor type 1A; plus strand). Cytogenetic location: 10q23.2.
Variant type: single nucleotide variant.
Coding change: c.87G>A on transcript NM_004329.3 (MANE Select); coding-DNA position 87, G replaced by A.
Protein change: p.Met29Ile; replaces methionine 29 with isoleucine.
Molecular consequence: missense variant.
Genome position (GRCh38, 1-based): chr10:86,890,081, G>A. VCF-style: chr10-86890081-G-A. GRCh37 (hg19) VCF-style: chr10-88649838-G-A.
Other names: c.87G>A, p.Met29Ile (NM_001406580.1, NM_001406583.1, NM_001406582.1 and 23 more transcripts); c.3G>A, p.Met1Ile (NM_001406586.1, NM_001406584.1, NM_001406585.1 and 2 more transcripts); short protein forms M29I, M1I.
Identifiers: ClinVar variation 1764723 (VCV001764723.3), dbSNP rs2133394364, ClinGen allele CA377446293.